The following is an entry in ClinVar:

ClinVar aggregate classification (germline): Uncertain significance (1 of 4 stars; one submission).

Conditions:
Neurofibromatosis, type 1 (NF1). Also called: VON RECKLINGHAUSEN DISEASE; Neurofibromatosis, type I; NEUROFIBROMATOSIS, TYPE I, SOMATIC; Peripheral type neurofibromatosis. Identifiers: Orphanet 636, MedGen C0027831, MONDO:0018975, OMIM 162200. Disease mechanism: loss of function.

gnomAD v4.1: 1 of 1,614,002 alleles (0.000062%); no homozygotes.

Submission:

Labcorp Genetics (formerly Invitae), Labcorp
Classification: Uncertain significance for Neurofibromatosis, type 1. Last evaluated: 2025-07-10. Review status: criteria provided, single submitter. Criteria: Invitae Variant Classification Sherloc (09022015). Collection method: clinical testing. Allele origin: germline.
Comment: This sequence change replaces arginine, which is basic and polar, with leucine, which is neutral and non-polar, at codon 262 of the NF1 protein (p.Arg262Leu). This variant is not present in population databases (gnomAD no frequency). This variant has not been reported in the literature in individuals affected with NF1-related conditions. Invitae Evidence Modeling of protein sequence and biophysical properties (such as structural, functional, and spatial information, amino acid conservation, physicochemical variation, residue mobility, and thermodynamic stability) indicates that this missense variant is expected to disrupt NF1 protein function with a positive predictive value of 95%. In summary, the available evidence is currently insufficient to determine the role of this variant in disease. Therefore, it has been classified as a Variant of Uncertain Significance.

NM_001042492.3(NF1):c.785G>T (p.Arg262Leu)

Gene: NF1 (neurofibromin 1; plus strand). Cytogenetic location: 17q11.2.
Variant type: single nucleotide variant.
Coding change: c.785G>T on transcript NM_001042492.3 (MANE Select); coding-DNA position 785, G replaced by T.
Protein change: p.Arg262Leu; replaces arginine 262 with leucine.
Molecular consequence: missense variant.
Genome position (GRCh38, 1-based): chr17:31,182,562, G>T. VCF-style: chr17-31182562-G-T. GRCh37 (hg19) VCF-style: chr17-29509580-G-T.
Other names: c.785G>T, p.Arg262Leu (NM_000267.4, NM_001128147.3); short protein forms R262L.
Identifiers: ClinVar variation 4800708 (VCV004800708.1).
Genomic context (GRCh38, chr17:31,182,562, plus strand): 5'-ATGCAGAATGTGCAGAAAAGCTATTTGACTTGGTGGATGGTTTTGCTGAAAGCACCAAAC[G>T]TAAAGCAGCAGTTTGGCCACTACAAATCATTCTCCTTATCTTGTGTCCAGAAATAATCCA-3'
Protein context (NP_001035957.1, residues 252-272): LVDGFAESTK[Arg262Leu]KAAVWPLQII